The following is an entry in ClinVar:

ClinVar aggregate classification (germline): Likely benign. Review status: criteria provided, multiple submitters, no conflicts (2 of 4 stars). 3 submissions from 3 submitters: Likely benign (3). Last evaluated 2024-03-24.

Conditions:
Marfan syndrome (MFS). Also called: MARFAN SYNDROME, TYPE I; FBN1-Related Marfan Syndrome; Marfan syndrome, classic; Marfan syndrome type 1; Marfan's syndrome. Identifiers: Orphanet 284963, Orphanet 558, MedGen C0024796, MONDO:0007947, OMIM 154700.
Familial thoracic aortic aneurysm and aortic dissection (TAAD). Also called: Thoracic aortic aneurysms and dissections. Identifiers: Orphanet 91387, MedGen C4707243, MONDO:0019625.

Allele frequency attached by ClinVar (database versions not stated): gnomAD exomes below 0.00001.
gnomAD v4.1: 3 of 1,614,214 alleles (0.00019%); highest among the groups gnomAD compares: Non-Finnish European, 0.00025%; no homozygotes.

Submissions (3):

All of Us Research Program, National Institutes of Health
Classification: Likely benign for Marfan syndrome. Last evaluated: 2024-03-24. Review status: criteria provided, single submitter. Criteria: ACMG Guidelines, 2015. Collection method: clinical testing. Allele origin: germline. Inheritance: Autosomal dominant inheritance. Observed: 1 variant allele, 1 heterozygote.
Comment: This study involves interpretation of variants in research participants for the purpose of population health screening. Participant phenotype was not available at the time of variant classification. Additional details can be found in publication PMID: 35346344, PMCID: PMC8962531

Ambry Genetics
Classification: Likely benign for Familial thoracic aortic aneurysm and aortic dissection. Last evaluated: 2022-03-10. Review status: criteria provided, single submitter. Criteria: Ambry Variant Classification Scheme 2023. Collection method: clinical testing. Allele origin: germline.

Labcorp Genetics (formerly Invitae), Labcorp
Classification: Likely benign for Marfan syndrome; Familial thoracic aortic aneurysm and aortic dissection. Last evaluated: 2019-11-15. Review status: criteria provided, single submitter. Criteria: Invitae Variant Classification Sherloc (09022015). Collection method: clinical testing. Allele origin: germline.

NM_000138.5(FBN1):c.3411C>T (p.Arg1137=)

Gene: FBN1 (fibrillin 1; minus strand). Cytogenetic location: 15q21.1.
Variant type: single nucleotide variant.
Coding change: c.3411C>T on transcript NM_000138.5 (MANE Select); coding-DNA position 3411, C replaced by T.
Protein change: p.Arg1137=; no amino-acid change (arginine 1137 retained).
Molecular consequence: synonymous variant.
Genome position (GRCh38, 1-based): chr15:48,487,364, G>A on the plus strand (C>T on the coding strand, the complement: FBN1 is on the minus strand). VCF-style: chr15-48487364-G-A. GRCh37 (hg19) VCF-style: chr15-48779561-G-A.
Identifiers: ClinVar variation 237088 (VCV000237088.14), dbSNP rs878853681, ClinGen allele CA10583247.
Genomic context (GRCh38, chr15:48,487,364, plus strand): 5'-CTCCTTACCGATACACGCGGAGATGTTGGGGGACAGCTGATGGCCAGGCGGGCATTCACA[G>A]CGGTAACTTCCCTCTGTGTTATGGCAAACACCACCTCGGCATAGGAGAGGATCTCTCTGA-3'
Protein context (NP_000129.3, residues 1127-1147): GVCHNTEGSY[Arg1137=]CECPPGHQLS